The following is an entry in ClinVar:

NM_006031.6(PCNT):c.443T>G (p.Val148Gly)

Gene: PCNT (pericentrin; plus strand). Cytogenetic location: 21q22.3.
Variant type: single nucleotide variant.
Coding change: c.443T>G on transcript NM_006031.6 (MANE Select); coding-DNA position 443, T replaced by G.
Protein change: p.Val148Gly; replaces valine 148 with glycine.
Molecular consequence: missense variant.
Genome position (GRCh38, 1-based): chr21:46,334,572, T>G. VCF-style: chr21-46334572-T-G. GRCh37 (hg19) VCF-style: chr21-47754486-T-G.
Other names: c.89T>G, p.Val30Gly (NM_001315529.2); short protein forms V148G, V30G.
Identifiers: ClinVar variation 4987480 (VCV004987480.1).

ClinVar aggregate classification (germline): Uncertain significance (1 of 4 stars; one submission).

Conditions:
PCNT-related disorder. Also called: PCNT-related condition.

Submission:

PreventionGenetics, part of Exact Sciences
Classification: Uncertain significance for PCNT-related condition. Last evaluated: 2024-11-12. Review status: criteria provided, single submitter. Criteria: ACMG Guidelines, 2015. Collection method: clinical testing. Allele origin: germline.
Comment: The PCNT c.443T>G variant is predicted to result in the amino acid substitution p.Val148Gly. To our knowledge, this variant has not been reported in the literature or in a large population database, indicating this variant is rare. At this time, the clinical significance of this variant is uncertain due to the absence of conclusive functional and genetic evidence.